The following is an entry in ClinVar:

ClinVar aggregate classification (germline): Uncertain significance. Review status: criteria provided, multiple submitters, no conflicts (2 of 4 stars). 2 submissions from 2 submitters: Uncertain significance (2). Last evaluated 2025-12-20.

Conditions:
Inborn genetic diseases. Identifiers: MedGen C0950123, MeSH D030342.
ADCY3-related disorder. Also called: ADCY3-related condition.

Allele frequency attached by ClinVar (database versions not stated): gnomAD exomes below 0.00001; ExAC 0.00001; TOPMed 0.00001.
gnomAD v4.1: 6 of 1,613,840 alleles (0.00037%); highest among the groups gnomAD compares: East Asian, 0.0022%; no homozygotes.

Submissions (2):

PreventionGenetics, part of Exact Sciences
Classification: Uncertain significance for ADCY3-related condition. Last evaluated: 2025-12-20. Review status: criteria provided, single submitter. Criteria: ACMG Guidelines, 2015. Collection method: clinical testing. Allele origin: germline.
Comment: The ADCY3 c.1342G>A variant is predicted to result in the amino acid substitution p.Gly448Ser. To our knowledge, this variant has not been reported in the literature. This variant is reported in 0.0054% of alleles in individuals of East Asian descent in gnomAD. At this time, the clinical significance of this variant is uncertain due to the absence of conclusive functional and genetic evidence.

Ambry Genetics
Classification: Uncertain significance for Inborn genetic diseases. Last evaluated: 2023-03-17. Review status: criteria provided, single submitter. Criteria: Ambry Variant Classification Scheme 2023. Collection method: clinical testing. Allele origin: germline.

NM_004036.5(ADCY3):c.1342G>A (p.Gly448Ser)

Gene: ADCY3 (adenylate cyclase 3; minus strand). Cytogenetic location: 2p23.3.
Variant type: single nucleotide variant.
Coding change: c.1342G>A on transcript NM_004036.5 (MANE Select); coding-DNA position 1342, G replaced by A.
Protein change: p.Gly448Ser; replaces glycine 448 with serine.
Molecular consequence: missense variant.
Genome position (GRCh38, 1-based): chr2:24,839,886, C>T on the plus strand (G>A on the coding strand, the complement: ADCY3 is on the minus strand). VCF-style: chr2-24839886-C-T. GRCh37 (hg19) VCF-style: chr2-25062755-C-T.
Other names: c.1342G>A, p.Gly448Ser (NM_001320613.2, NM_001377128.1, NM_001377129.1 and 2 more transcripts); c.619G>A, p.Gly207Ser (NM_001377131.1); c.1342G>A (NM_001320613.1); short protein forms G207S, G448S.
Identifiers: ClinVar variation 2526042 (VCV002526042.3), dbSNP rs754330838, ClinGen allele CA1554215.